The following is an entry in ClinVar:

NM_016604.4(KDM3B):c.4976G>A (p.Arg1659His)

Gene: KDM3B (lysine demethylase 3B; plus strand). Cytogenetic location: 5q31.2.
Variant type: single nucleotide variant.
Coding change: c.4976G>A on transcript NM_016604.4 (MANE Select); coding-DNA position 4976, G replaced by A.
Protein change: p.Arg1659His; replaces arginine 1659 with histidine.
Molecular consequence: missense variant.
Genome position (GRCh38, 1-based): chr5:138,430,331, G>A. VCF-style: chr5-138430331-G-A. GRCh37 (hg19) VCF-style: chr5-137766020-G-A.
Other names: c.4976G>A (NM_016604.3); short protein forms R1659H.
Identifiers: ClinVar variation 3236860 (VCV003236860.3), dbSNP rs2480334339.

ClinVar aggregate classification (germline): Uncertain significance. Review status: criteria provided, multiple submitters, no conflicts (2 of 4 stars). 2 submissions from 2 submitters: Uncertain significance (2). Last evaluated 2024-10-10.

Conditions:
Diets-Jongmans syndrome. Also called: INTELLECTUAL DEVELOPMENTAL DISORDER WITH DISTINCTIVE FACIAL DYSMORPHISM. Identifiers: MedGen C5394263, MONDO:0030012, OMIM 618846.

Submissions (2):

GeneDx
Classification: Uncertain significance. Last evaluated: 2024-10-10. Review status: criteria provided, single submitter. Criteria: GeneDx Variant Classification Process June 2021. Collection method: clinical testing. Allele origin: germline. Affected: yes.
Comment: Not observed at significant frequency in large population cohorts (gnomAD); In silico analysis supports that this missense variant has a deleterious effect on protein structure/function; Has not been previously published as pathogenic or benign to our knowledge

Institute of Human Genetics, University of Goettingen
Classification: Uncertain significance for Diets-Jongmans syndrome. Last evaluated: 2024-03-26. Review status: criteria provided, single submitter. Criteria: ACMG Guidelines, 2015. Collection method: clinical testing. Allele origin: unknown. Inheritance: Autosomal dominant inheritance. Affected: yes. Observed: 1 heterozygote.
Comment: Following reasons led to the classification as VUS: 1. the variant is not listed in HGMD, LOVD3, ClinVar as has not been described in literature before 2. comparison with ExAC and gnomAD did not provide evidence that the variant can be detected in non-affevted individuals 3. computational prediction tools unanimously support a deleterious effect on the gene, REVEL: 0,806